The following is an entry in ClinVar:

ClinVar aggregate classification (germline): Likely benign (1 of 4 stars; one submission).

Submission:

CeGaT Center for Human Genetics Tuebingen
Classification: Likely benign. Last evaluated: 2025-09-01. Review status: criteria provided, single submitter. Criteria: CeGaT Center For Human Genetics Tuebingen Variant Classification Criteria Version 2. Collection method: clinical testing. Allele origin: germline. Affected: yes. Observed: 1 variant allele.
Comment: VPS13B: PM2:Supporting, BP4, BP7

NM_152564.5(VPS13B):c.88C>T (p.Leu30=)

Gene: VPS13B (vacuolar protein sorting 13 homolog B; plus strand). Cytogenetic location: 8q22.2.
Variant type: single nucleotide variant.
Coding change: c.88C>T on transcript NM_152564.5 (MANE Select); coding-DNA position 88, C replaced by T.
Protein change: p.Leu30=; no amino-acid change (leucine 30 retained).
Molecular consequence: synonymous variant. On other transcripts: non-coding transcript variant (1).
Genome position (GRCh38, 1-based): chr8:99,013,876, C>T. VCF-style: chr8-99013876-C-T. GRCh37 (hg19) VCF-style: chr8-100026104-C-T.
Other names: c.88C>T, p.Leu30= (NM_015243.3, NM_017890.5, NM_181661.3).
Identifiers: ClinVar variation 4281413 (VCV004281413.7).